The following is an entry in ClinVar:

ClinVar aggregate classification (germline): Benign/Likely benign. Review status: criteria provided, multiple submitters, no conflicts (2 of 4 stars). 19 submissions from 19 submitters: Benign (8); Likely benign (5). 6 of the submissions do not count toward it. Last evaluated 2026-09-01.

Conditions:
Spastic paraplegia. Identifiers: MedGen C0037772, HP:0001258.
Hereditary spastic paraplegia. Also called: Familial spastic paraparesis. Identifiers: Orphanet 685, MedGen C0037773, MONDO:0019064. Disease mechanism: loss of function.
Charlevoix-Saguenay spastic ataxia (SACS). Also called: Spastic ataxia of Charlevoix-Saguenay; SPASTIC ATAXIA 6, AUTOSOMAL RECESSIVE; AUTOSOMAL RECESSIVE SPASTIC ATAXIA OF CHARLEVOIX-SAGUENAY. Identifiers: Orphanet 98, MedGen C1849140, MONDO:0010041, OMIM 270550.
Abnormal brain morphology. Also called: Abnormality of brain morphology. Identifiers: MedGen C4021085, HP:0012443.

Allele frequency attached by ClinVar (database versions not stated): gnomAD 0.00521 and 0.00597; TOPMed 0.00538; ESP Exome Variant Server 0.00646; 1000 Genomes Project 0.00679; 1000 Genomes Project 30x 0.00734; gnomAD exomes 0.00782 and 0.00940; ExAC 0.00905.
gnomAD v4.1: 12,414 of 1,610,306 alleles (0.77%); highest among the groups gnomAD compares: South Asian, 2.9%; 117 homozygotes.

Submissions (19):

CeGaT Center for Human Genetics Tuebingen
Classification: Likely benign. Last evaluated: 2026-09-01. Review status: criteria provided, single submitter. Criteria: CeGaT Center For Human Genetics Tuebingen Variant Classification Criteria Version 2. Collection method: clinical testing. Allele origin: germline. Affected: yes. Observed: 78 variant alleles.
Comment: SACS: BP4

Labcorp Genetics (formerly Invitae), Labcorp
Classification: Benign for Spastic paraplegia. Last evaluated: 2026-02-04. Review status: criteria provided, single submitter. Criteria: Invitae Variant Classification Sherloc (09022015). Collection method: clinical testing. Allele origin: germline.

Women's Health and Genetics/Laboratory Corporation of America, LabCorp
Classification: Likely benign. Last evaluated: 2025-11-28. Review status: criteria provided, single submitter. Criteria: LabCorp Variant Classification Summary - May 2015. Collection method: clinical testing. Allele origin: germline.
Comment: Variant summary: SACS c.4466A>G (p.Asn1489Ser) results in a conservative amino acid change in the encoded protein sequence. Algorithms developed to predict the effect of missense changes on protein structure and function all suggest that this variant is likely to be tolerated. The variant allele was found at a frequency of 0.0094 in 247218 control chromosomes in the gnomAD database, including 32 homozygotes. The observed variant frequency exceeds the estimated maximal expected allele frequency for disease-causing variants in SACS. c.4466A>G has been observed in individual(s) affected with cerebellar taxia without strong evidence for causality (example: Karaca_2016). These report(s) do not provide unequivocal conclusions about association of the variant with Autosomal Recessive Spastic Ataxia Of Charlevoix-Saguenay. To our knowledge, no experimental evidence demonstrating an impact on protein function has been reported. The following publication has been ascertained in the context of this evaluation (PMID: 26539891). ClinVar contains an entry for this variant (Variation ID: 212114). Based on the evidence outlined above, the variant was classified as likely benign.

Laboratory of Genetics, Children's Clinical University Hospital Latvia
Classification: Benign. Last evaluated: 2025-02-16. Review status: criteria provided, single submitter. Criteria: ACMG Guidelines, 2015. Collection method: clinical testing. Allele origin: germline. Affected: yes.

Athena Diagnostics
Classification: Benign. Last evaluated: 2024-04-15. Review status: criteria provided, single submitter. Criteria: Athena Diagnostics Criteria. Collection method: clinical testing. Allele origin: unknown.

Mayo Clinic Laboratories, Mayo Clinic
Classification: Benign. Last evaluated: 2023-04-11. Review status: criteria provided, single submitter. Criteria: ACMG Guidelines, 2015. Collection method: clinical testing. Allele origin: germline. Observed: 41 variant alleles.

Genome-Nilou Lab
Classification: Likely benign for Charlevoix-Saguenay spastic ataxia. Last evaluated: 2021-06-10. Review status: criteria provided, single submitter. Criteria: ACMG Guidelines, 2015. Collection method: clinical testing. Allele origin: germline. Affected: no.

Pars Genome Lab
Classification: Likely benign for Charlevoix-Saguenay spastic ataxia. Last evaluated: 2021-05-18. Review status: criteria provided, single submitter. Criteria: ACMG Guidelines, 2015. Collection method: clinical testing. Allele origin: germline. Affected: no.

Genome Diagnostics Laboratory, The Hospital for Sick Children
Classification: Benign for Hereditary spastic paraplegia. Last evaluated: 2021-04-26. Review status: criteria provided, single submitter. Criteria: ACMG Guidelines, 2015. Collection method: clinical testing. Allele origin: germline. Affected: yes.

Genetic Services Laboratory, University of Chicago
Classification: Benign. Last evaluated: 2019-08-27. Review status: criteria provided, single submitter. Criteria: ACMG Guidelines, 2015. Collection method: clinical testing. Allele origin: germline. Affected: no.

Mendelics
Classification: Likely benign for Charlevoix-Saguenay spastic ataxia. Last evaluated: 2019-05-28. Review status: criteria provided, single submitter. Criteria: Mendelics Assertion Criteria 2017. Collection method: clinical testing. Allele origin: unknown.

GeneDx
Classification: Benign. Last evaluated: 2018-10-11. Review status: criteria provided, single submitter. Criteria: GeneDx Variant Classification Process June 2021. Collection method: clinical testing. Allele origin: germline. Affected: yes.
Comment: This variant is associated with the following publications: (PMID: 26539891, 27980752)

Eurofins Ntd Llc (ga)
Classification: Benign. Last evaluated: 2016-12-23. Review status: criteria provided, single submitter. Criteria: EGL Classification Definitions 2015. Collection method: clinical testing. Allele origin: germline. Observed: 1 variant allele, 1 heterozygote.

Department of Pathology and Laboratory Medicine, Sinai Health System
Classification: Benign. Last evaluated: 2025-06-06. Review status: no assertion criteria provided. Collection method: clinical testing. Allele origin: unknown. Affected: yes. Study: The Canadian Open Genetics Repository (COGR). Not counted in ClinVar's aggregate classification.
Comment: The SACS p.Asn1489Ser variant was not identified in the literature. The p.Asn1489Ser variant was identified in dbSNP (ID: rs147099630) and ClinVar (classified as benign 7X by GeneDx, Labcorp Genetics (formerly Invitae), Labcorp and 5 other submitters; likely benign 4X; likely pathogenic 1X). The variant was identified in control databases in 12414 of 1610306 chromosomes (117 homozygous) at a frequency of 0.007709, and was observed at the highest frequency in the Ashkenazi Jewish population in 1260 of 29460 chromosomes (freq: 0.04277) (Genome Aggregation Database April 19, 2024, v4.1.0). The p.Asn1489Ser residue is conserved in mammals and computational analyses (MUT Assesor, PolyPhen-2, SIFT, MutationTaster, Revel, FATHMM, MetaLR, DANN) do not suggest a high likelihood of impact to the protein; this information is not predictive enough to rule out pathogenicity. The variant occurs outside of the splicing consensus sequence and in silico or computational prediction software programs (Splice AI exome) do not predict a deleterious effect on splicing. In summary, based on the above information this variant meets our laboratory's criteria to be classified as benign.

Natera, Inc.
Classification: Benign for Charlevoix-Saguenay type spastic ataxia. Last evaluated: 2020-09-16. Review status: no assertion criteria provided. Collection method: clinical testing. Allele origin: germline. Not counted in ClinVar's aggregate classification.

Clinical Genetics DNA and cytogenetics Diagnostics Lab, Erasmus MC, Erasmus Medical Center
Classification: Likely benign. Review status: no assertion criteria provided. Collection method: clinical testing. Allele origin: germline. Affected: yes. Study: VKGL Data-share Consensus. Not counted in ClinVar's aggregate classification.

Genome Diagnostics Laboratory, University Medical Center Utrecht
Classification: Likely benign. Review status: no assertion criteria provided. Collection method: clinical testing. Allele origin: germline. Affected: yes. Study: VKGL Data-share Consensus. Not counted in ClinVar's aggregate classification.

PROSPAX: an integrated multimodal progression  chart in spastic ataxias, Center for Neurology; Hertie-Institute for Clinical Brain Research
Classification: Likely pathogenic for Charlevoix-Saguenay spastic ataxia. Last evaluated: 2022-01-01. Review status: flagged submission. Criteria: ACMG Guidelines, 2015. Collection method: research. Allele origin: germline. Affected: yes. Not counted in ClinVar's aggregate classification.
ClinVar note: Reason: Outlier claim with insufficient supporting evidence

Lupski Lab, Baylor-Hopkins CMG, Baylor College of Medicine
Classification: Likely pathogenic for Abnormal brain morphology. Review status: flagged submission. Criteria: Karaca et al. (Neuron 2015). Collection method: research. Allele origin: inherited. Inheritance: Autosomal recessive inheritance. Affected: yes. Not counted in ClinVar's aggregate classification.
ClinVar note: Reason: Outlier claim with insufficient supporting evidence

Literature cited by the submitters: PubMed 26539891 (cited by Women's Health and Genetics/Laboratory Corporation of America, LabCorp and Athena Diagnostics); PubMed 34600502 (cited by Athena Diagnostics); PubMed 34429451 (cited by Athena Diagnostics); PubMed 19779133 (cited by Athena Diagnostics); PubMed 27980752 (cited by Athena Diagnostics).

NM_014363.6(SACS):c.4466A>G (p.Asn1489Ser)

Gene: SACS (sacsin molecular chaperone; minus strand). Cytogenetic location: 13q12.12.
Variant type: single nucleotide variant.
Coding change: c.4466A>G on transcript NM_014363.6 (MANE Select); coding-DNA position 4466, A replaced by G.
Protein change: p.Asn1489Ser; replaces asparagine 1489 with serine.
Molecular consequence: missense variant.
Genome position (GRCh38, 1-based): chr13:23,339,410, T>C on the plus strand (A>G on the coding strand, the complement: SACS is on the minus strand). VCF-style: chr13-23339410-T-C. GRCh37 (hg19) VCF-style: chr13-23913549-T-C.
Other names: p.Asn1489Ser; c.4025A>G, p.Asn1342Ser (NM_001278055.2); short protein forms N1489S, N1342S.
Identifiers: ClinVar variation 212114 (VCV000212114.62), dbSNP rs147099630, ClinGen allele CA207202.